The following is an entry in ClinVar:

ClinVar aggregate classification (germline): Uncertain significance. Review status: criteria provided, multiple submitters, no conflicts (2 of 4 stars). 6 submissions from 6 submitters: Uncertain significance (4). 2 of the submissions do not count toward it. Last evaluated 2026-08-03.

Conditions:
Cardiovascular phenotype. Identifiers: MedGen CN230736.
Myofibrillar myopathy 4. Also called: Zaspopathy (type). Identifiers: Orphanet 98912, MedGen C4721886, MONDO:0012277, OMIM 609452.
Dilated cardiomyopathy 1C (CMD1C). Also called: Cardiomyopathy, dilated, 1C, with or without LVNC; CARDIOMYOPATHY, DILATED, 1C, WITH OR WITHOUT LEFT VENTRICULAR NONCOMPACTION. Identifiers: Orphanet 154, Orphanet 54260, MedGen C1832244, MONDO:0011094, OMIM 601493.

Allele frequency attached by ClinVar (database versions not stated): gnomAD exomes 0.00003; ExAC 0.00004; ESP Exome Variant Server 0.00016; TOPMed 0.00012; gnomAD 0.00014 and 0.00016.
gnomAD v4.1: 48 of 1,613,820 alleles (0.003%); highest among the groups gnomAD compares: African/African-American, 0.059%; no homozygotes.

Submissions (6):

Ambry Genetics
Classification: Uncertain significance for Cardiovascular phenotype. Last evaluated: 2026-08-03. Review status: criteria provided, single submitter. Criteria: Ambry Variant Classification Scheme 2023. Collection method: clinical testing. Allele origin: germline.
Comment: The c.548+3A>G intronic variant results from an A to G substitution 3 nucleotides after coding exon 5 in the LDB3 gene. This nucleotide position is highly conserved in available vertebrate species. In silico splice site analysis predicts that this alteration will not have any significant effect on splicing. Based on the available evidence, the clinical significance of this variant remains unclear.

Labcorp Genetics (formerly Invitae), Labcorp
Classification: Uncertain significance for Myofibrillar myopathy 4. Last evaluated: 2025-10-31. Review status: criteria provided, single submitter. Criteria: Invitae Variant Classification Sherloc (09022015). Collection method: clinical testing. Allele origin: germline.
Comment: This sequence change falls in intron 5 of the LDB3 gene. It does not directly change the encoded amino acid sequence of the LDB3 protein. It affects a nucleotide within the consensus splice site. This variant is present in population databases (rs370053163, gnomAD 0.05%). This variant has not been reported in the literature in individuals affected with LDB3-related conditions. ClinVar contains an entry for this variant (Variation ID: 518922). Variants that disrupt the consensus splice site are a relatively common cause of aberrant splicing (PMID: 17576681, 9536098). Algorithms developed to predict the effect of sequence changes on RNA splicing suggest that this variant is not likely to affect RNA splicing. In summary, the available evidence is currently insufficient to determine the role of this variant in disease. Therefore, it has been classified as a Variant of Uncertain Significance.

Fulgent Genetics
Classification: Uncertain significance for Dilated cardiomyopathy 1C; Myofibrillar myopathy 4. Last evaluated: 2024-04-05. Review status: criteria provided, single submitter. Criteria: ACMG Guidelines, 2015. Collection method: clinical testing. Allele origin: germline.

GeneDx
Classification: Uncertain significance. Last evaluated: 2021-04-02. Review status: criteria provided, single submitter. Criteria: GeneDx Variant Classification Process June 2021. Collection method: clinical testing. Allele origin: germline. Affected: yes.
Comment: Has not been previously published as pathogenic or benign to our knowledge; Reported in ClinVar as a variant of uncertain significance (ClinVar Variant ID# 518922; Landrum et al., 2016); In-silico analysis, which includes splice predictors and evolutionary conservation, is inconclusive as to whether the variant alters gene splicing. In the absence of RNA/functional studies, the actual effect of this sequence change is unknown.

Clinical Genetics DNA and cytogenetics Diagnostics Lab, Erasmus MC, Erasmus Medical Center
Classification: Likely benign. Review status: no assertion criteria provided. Collection method: clinical testing. Allele origin: germline. Affected: yes. Study: VKGL Data-share Consensus. Not counted in ClinVar's aggregate classification.

Clinical Genetics, Academic Medical Center
Classification: Likely benign. Review status: no assertion criteria provided. Collection method: clinical testing. Allele origin: germline. Affected: yes. Study: VKGL Data-share Consensus. Not counted in ClinVar's aggregate classification.

Literature cited by the submitters: PubMed 17576681 (cited by Labcorp Genetics (formerly Invitae), Labcorp); PubMed 9536098 (cited by Labcorp Genetics (formerly Invitae), Labcorp).

NM_007078.3(LDB3):c.690-4621A>G

Genes: LDB3 (LIM domain binding 3; plus strand), LOC110121486 (VISTA enhancer hs2143; plus strand). Cytogenetic location: 10q23.2.
Variant type: single nucleotide variant.
Coding change: c.690-4621A>G on transcript NM_007078.3 (MANE Select); 4621 bases into the intron before coding-DNA position 690, A replaced by G.
Molecular consequence: intron variant.
Genome position (GRCh38, 1-based): chr10:86,687,275, A>G. VCF-style: chr10-86687275-A-G. GRCh37 (hg19) VCF-style: chr10-88447032-A-G.
Other names: c.690-4621A>G (NM_001368064.1, NM_001368063.1, NM_001368065.1 and 1 more transcripts); c.548+3A>G (NM_001368068.1, NM_001368066.1, NM_001080114.2 and 2 more transcripts); c.893+3A>G (NM_001171610.2, NM_001171611.2).
Identifiers: ClinVar variation 518922 (VCV000518922.18), dbSNP rs370053163, ClinGen allele CA5584839.